The following is an entry in ClinVar:

NM_001876.4(CPT1A):c.160G>A (p.Val54Met)

Gene: CPT1A (carnitine palmitoyltransferase 1A; minus strand). Cytogenetic location: 11q13.3.
Variant type: single nucleotide variant.
Coding change: c.160G>A on transcript NM_001876.4 (MANE Select); coding-DNA position 160, G replaced by A.
Protein change: p.Val54Met; replaces valine 54 with methionine.
Molecular consequence: missense variant.
Genome position (GRCh38, 1-based): chr11:68,812,558, C>T on the plus strand (G>A on the coding strand, the complement: CPT1A is on the minus strand). VCF-style: chr11-68812558-C-T. GRCh37 (hg19) VCF-style: chr11-68580026-C-T.
Other names: c.160G>A, p.Val54Met (NM_001031847.3); c.160G>A (NM_001876.3); short protein forms V54M.
Identifiers: ClinVar variation 1412615 (VCV001412615.6), dbSNP rs147389938, ClinGen allele CA6152759.

ClinVar aggregate classification (germline): Uncertain significance. Review status: criteria provided, multiple submitters, no conflicts (2 of 4 stars). 2 submissions from 2 submitters: Uncertain significance (2). Last evaluated 2025-08-10.

Conditions:
Carnitine palmitoyl transferase 1A deficiency. Also called: Carnitine palmitoyltransferase 1A deficiency; CPT deficiency, hepatic, type IA; Carnitine palmitoyltransferase type I deficiency; CPT I DEFICIENCY; CPT DEFICIENCY, HEPATIC, TYPE I. Identifiers: Orphanet 156, MedGen C1829703, MONDO:0009705, OMIM 255120.

gnomAD v4.1: 40 of 1,614,158 alleles (0.0025%); highest among the groups gnomAD compares: East Asian, 0.065%; 1 homozygote.

Submissions (2):

GeneDx
Classification: Uncertain significance. Last evaluated: 2025-08-10. Review status: criteria provided, single submitter. Criteria: GeneDx Variant Classification Process June 2021. Collection method: clinical testing. Allele origin: germline. Affected: yes.
Comment: In silico analysis supports that this missense variant has a deleterious effect on protein structure/function; Has not been previously published as pathogenic or benign to our knowledge

Labcorp Genetics (formerly Invitae), Labcorp
Classification: Uncertain significance for Carnitine palmitoyl transferase 1A deficiency. Last evaluated: 2022-08-15. Review status: criteria provided, single submitter. Criteria: Invitae Variant Classification Sherloc (09022015). Collection method: clinical testing. Allele origin: germline.
Comment: This sequence change replaces valine, which is neutral and non-polar, with methionine, which is neutral and non-polar, at codon 54 of the CPT1A protein (p.Val54Met). This variant is present in population databases (rs147389938, gnomAD 0.02%). This variant has not been reported in the literature in individuals affected with CPT1A-related conditions. ClinVar contains an entry for this variant (Variation ID: 1412615). Algorithms developed to predict the effect of missense changes on protein structure and function output the following: SIFT: "Tolerated"; PolyPhen-2: "Possibly Damaging"; Align-GVGD: "Class C0". The methionine amino acid residue is found in multiple mammalian species, which suggests that this missense change does not adversely affect protein function. In summary, the available evidence is currently insufficient to determine the role of this variant in disease. Therefore, it has been classified as a Variant of Uncertain Significance.